The following is an entry in ClinVar:

NM_032119.4(ADGRV1):c.1870C>T (p.Pro624Ser)

Gene: ADGRV1 (adhesion G protein-coupled receptor V1; plus strand). Cytogenetic location: 5q14.3.
Variant type: single nucleotide variant.
Coding change: c.1870C>T on transcript NM_032119.4 (MANE Select); coding-DNA position 1870, C replaced by T.
Protein change: p.Pro624Ser; replaces proline 624 with serine.
Molecular consequence: missense variant. On other transcripts: non-coding transcript variant (1).
Genome position (GRCh38, 1-based): chr5:90,635,144, C>T. VCF-style: chr5-90635144-C-T. GRCh37 (hg19) VCF-style: chr5-89930961-C-T.
Other names: short protein forms P624S.
Identifiers: ClinVar variation 1370003 (VCV001370003.6), dbSNP rs2149401455, ClinGen allele CA360380534.
Genomic context (GRCh38, chr5:90,635,144, plus strand): 5'-TACTACTTTTTGTGTATTTGTTTATTATAGTTGGAAACTGTGGAGTTGTTAAACATAATT[C>T]CTCTAATCCCACCCATAAGCCCTAGATTTGGGGAAATCTGCAATATTTCTTTACTGGTTA-3'
Protein context (NP_115495.3, residues 614-634): LETVELLNII[Pro624Ser]LIPPISPRFG

ClinVar aggregate classification (germline): Uncertain significance (1 of 4 stars; one submission).

gnomAD v4.1: 1 of 1,604,068 alleles (0.000062%); highest among the groups gnomAD compares: Non-Finnish European, 0.000085%; no homozygotes.

Submission:

Labcorp Genetics (formerly Invitae), Labcorp
Classification: Uncertain significance. Last evaluated: 2021-08-16. Review status: criteria provided, single submitter. Criteria: Invitae Variant Classification Sherloc (09022015). Collection method: clinical testing. Allele origin: germline.
Comment: This sequence change replaces proline with serine at codon 624 of the ADGRV1 protein (p.Pro624Ser). The proline residue is highly conserved and there is a moderate physicochemical difference between proline and serine. In summary, the available evidence is currently insufficient to determine the role of this variant in disease. Therefore, it has been classified as a Variant of Uncertain Significance. Algorithms developed to predict the effect of missense changes on protein structure and function are either unavailable or do not agree on the potential impact of this missense change (SIFT: "Deleterious"; PolyPhen-2: "Possibly Damaging"; Align-GVGD: "Class C0"). This variant has not been reported in the literature in individuals affected with ADGRV1-related conditions. This variant is not present in population databases (ExAC no frequency).